The following is an entry in ClinVar:

NM_012186.3(FOXE3):c.907G>T (p.Glu303Ter)

Genes: FOXE3 (forkhead box E3; plus strand), LINC01389 (long independently transcribed non-coding RNA 1389; minus strand). Cytogenetic location: 1p33.
Variant type: single nucleotide variant.
Coding change: c.907G>T on transcript NM_012186.3 (MANE Select); coding-DNA position 907, G replaced by T.
Protein change: p.Glu303Ter; replaces glutamic acid 303 with a stop codon.
Molecular consequence: nonsense.
Genome position (GRCh38, 1-based): chr1:47,417,222, G>T. VCF-style: chr1-47417222-G-T. GRCh37 (hg19) VCF-style: chr1-47882894-G-T.
Other names: short protein forms E303*.
Identifiers: ClinVar variation 4871510 (VCV004871510.1).
Genomic context (GRCh38, chr1:47,417,222, plus strand): 5'-GCTGAGCCCCTCCTGGCCTTGGCCGGGCCGGCAGCCGCTCTCGGCCCGCTCAGCCCTGGG[G>T]AGGCCTACCTGAGGCAGCCGGGCTTCGCGTCGGGGCTGGAGCGCTACCTGTGAGCCTGCG-3'

ClinVar aggregate classification (germline): Uncertain significance (1 of 4 stars; one submission).

Conditions:
Cardiovascular phenotype. Identifiers: MedGen CN230736.

Submission:

Ambry Genetics
Classification: Uncertain significance for Cardiovascular phenotype. Last evaluated: 2026-03-19. Review status: criteria provided, single submitter. Criteria: Ambry Variant Classification Scheme 2023. Collection method: clinical testing. Allele origin: germline.
Comment: The p.E303* variant (also known as c.907G>T), located in coding exon 1 of the FOXE3 gene, results from a G to T substitution at nucleotide position 907. This changes the amino acid from a glutamic acid to a stop codon within coding exon 1. This variant occurs at the 3' terminus of theFOXE3 gene, is not expected to trigger nonsense-mediated mRNAdecay, and impacts the last 5% of the protein. The exact functional effect of this alteration is unknown. Based on the available evidence, the clinical significance of this variant remains unclear.